The following is an entry in ClinVar:

NM_000123.4(ERCC5):c.1306G>A (p.Asp436Asn)

Genes: BIVM-ERCC5 (BIVM-ERCC5 readthrough; plus strand), ERCC5 (ERCC excision repair 5, endonuclease; plus strand). Cytogenetic location: 13q33.1.
Variant type: single nucleotide variant.
Coding change: c.1306G>A on transcript NM_000123.4 (MANE Select); coding-DNA position 1306, G replaced by A.
Protein change: p.Asp436Asn; replaces aspartic acid 436 with asparagine.
Molecular consequence: missense variant.
Genome position (GRCh38, 1-based): chr13:102,862,455, G>A. VCF-style: chr13-102862455-G-A. GRCh37 (hg19) VCF-style: chr13-103514805-G-A.
Other names: c.2668G>A, p.Asp890Asn (NM_001204425.2); short protein forms D436N, D890N.
Identifiers: ClinVar variation 1312573 (VCV001312573.2), dbSNP rs772289174, ClinGen allele CA7041389.

ClinVar aggregate classification (germline): Uncertain significance (1 of 4 stars; one submission).

Allele frequency attached by ClinVar (database versions not stated): gnomAD exomes below 0.00001 and 0.00001; TOPMed below 0.00001; ExAC 0.00001.
gnomAD v4.1: 2 of 1,614,032 alleles (0.00012%); highest among the groups gnomAD compares: Non-Finnish European, 0.00017%; no homozygotes.

Submission:

GeneDx
Classification: Uncertain significance. Last evaluated: 2020-03-12. Review status: criteria provided, single submitter. Criteria: GeneDx Variant Classification Process June 2021. Collection method: clinical testing. Allele origin: germline. Affected: yes.
Comment: In silico analysis supports that this missense variant does not alter protein structure/function; Has not been previously published as pathogenic or benign to our knowledge